The following is an entry in ClinVar:

NM_024867.4(SPEF2):c.1262G>A (p.Arg421His)

Gene: SPEF2 (sperm flagellar and cilia associated 2; plus strand). Cytogenetic location: 5p13.2.
Variant type: single nucleotide variant.
Coding change: c.1262G>A on transcript NM_024867.4 (MANE Select); coding-DNA position 1262, G replaced by A.
Protein change: p.Arg421His; replaces arginine 421 with histidine.
Molecular consequence: missense variant.
Genome position (GRCh38, 1-based): chr5:35,667,166, G>A. VCF-style: chr5-35667166-G-A. GRCh37 (hg19) VCF-style: chr5-35667268-G-A.
Other names: c.1262G>A, p.Arg421His (NM_144722.4); short protein forms R421H.
Identifiers: ClinVar variation 403482 (VCV000403482.30), dbSNP rs139580877, ClinGen allele CA3230426.

ClinVar aggregate classification (germline): Conflicting classifications of pathogenicity. Review status: criteria provided, conflicting classifications (1 of 4 stars). 3 submissions from 3 submitters: Uncertain significance (2); Benign (1). Last evaluated 2026-07-01.

Allele frequency attached by ClinVar (database versions not stated): 1000 Genomes Project 0.00559; 1000 Genomes Project 30x 0.00578; gnomAD 0.00656; TOPMed 0.00745; ESP Exome Variant Server 0.01015.
gnomAD v4.1: 18,733 of 1,612,356 alleles (1.2%); highest among the groups gnomAD compares: Non-Finnish European, 1.4%; 139 homozygotes.

Submissions (3):

CeGaT Center for Human Genetics Tuebingen
Classification: Benign. Last evaluated: 2026-07-01. Review status: criteria provided, single submitter. Criteria: CeGaT Center For Human Genetics Tuebingen Variant Classification Criteria Version 2. Collection method: clinical testing. Allele origin: germline. Affected: yes. Observed: 8 variant alleles.
Comment: SPEF2: BP4, BS1, BS2

Laboratory for Molecular Medicine, Mass General Brigham Personalized Medicine
Classification: Uncertain significance. Last evaluated: 2016-03-29. Review status: criteria provided, single submitter. Criteria: LMM Criteria. Collection method: clinical testing. Allele origin: germline.
Comment: Variant identified in a genome or exome case(s) and assessed due to predicted null impact of the variant or pathogenic assertions in the literature or databases. Disclaimer: This variant has not undergone full assessment. The following are preliminary notes: Candidate PCD gene, but frequency is high

Breakthrough Genomics
Classification: Uncertain significance. Review status: criteria provided, single submitter. Criteria: ACMG Guidelines, 2015. Collection method: not provided. Allele origin: germline. Inheritance: Autosomal recessive inheritance. Affected: yes.